The following is an entry in ClinVar:

NM_004369.4(COL6A3):c.840_842del (p.Val281del)

Gene: COL6A3 (collagen type VI alpha 3 chain; minus strand). Cytogenetic location: 2q37.3.
Variant type: Deletion.
Coding change: c.840_842del on transcript NM_004369.4 (MANE Select); coding-DNA positions 840 to 842, 3 bases deleted (AGT; older notation c.840_842delAGT).
Protein change: p.Val281del; deletes valine 281.
Molecular consequence: intron variant (on NM_057166.5).
Genome position (GRCh38, 1-based): chr2:237,388,052-237,388,054, ACT deleted on the plus strand (AGT on the coding strand, the reverse complement: COL6A3 is on the minus strand). VCF-style (leftmost placement, unchanged base first): chr2-237388051-CACT-C. GRCh37 (hg19) VCF-style: chr2-238296694-CACT-C.
Other names: c.92-6555_92-6553del (NM_057166.5, NM_057164.5); c.222_224del, p.Val75del (NM_057165.5, NM_057167.4); short protein forms V75del, V281del.
Identifiers: ClinVar variation 3697641 (VCV003697641.2).

ClinVar aggregate classification (germline): Uncertain significance (1 of 4 stars; one submission).

Conditions:
Bethlem myopathy 1A. Also called: MYOPATHY, BENIGN CONGENITAL, WITH CONTRACTURES; Bethlem myopathy 1; Bethlem Muscular Dystrophy. Identifiers: Orphanet 610, MedGen CN029274, MONDO:0024530, OMIM 158810.

Submission:

Labcorp Genetics (formerly Invitae), Labcorp
Classification: Uncertain significance for Bethlem myopathy 1A. Last evaluated: 2024-10-02. Review status: criteria provided, single submitter. Criteria: Invitae Variant Classification Sherloc (09022015). Collection method: clinical testing. Allele origin: germline.
Comment: This variant, c.840_842del, results in the deletion of 1 amino acid(s) of the COL6A3 protein (p.Val281del), but otherwise preserves the integrity of the reading frame. This variant is not present in population databases (gnomAD no frequency). This variant has not been reported in the literature in individuals affected with COL6A3-related conditions. Experimental studies and prediction algorithms are not available or were not evaluated, and the functional significance of this variant is currently unknown. In summary, the available evidence is currently insufficient to determine the role of this variant in disease. Therefore, it has been classified as a Variant of Uncertain Significance.